The following is an entry in ClinVar:

NM_144672.4(OTOA):c.2069_2070del (p.Cys690fs)

Gene: OTOA (otoancorin). Cytogenetic location: 16p12.2.
Variant type: Microsatellite.
Coding change: c.2069_2070del on transcript NM_144672.4 (MANE Select); coding-DNA positions 2069 to 2070, 2 bases deleted.
Protein change: p.Cys690fs; shifts the reading frame from cysteine 690.
Molecular consequence: frameshift variant.
Genome position: GRCh38 VCF-style: chr16-21728289-CTG-C. GRCh37 (hg19) VCF-style: chr16-21739610-CTG-C.
Other names: c.1832_1833del, p.Cys611fs (NM_001161683.2); c.1097_1098del, p.Cys366fs (NM_170664.3); short protein forms C690fs, C366fs, C611fs.
Identifiers: ClinVar variation 2751397 (VCV002751397.3), dbSNP rs1261590134, ClinGen allele CA621660393.
Genomic context (GRCh38, chr16:21,728,289, plus strand): 5'-TTTTGGGTTCAGGACGACTCCATTGCTGATGAGTACACTGTGGACATCATGGGGAACCTG[CTG>C]TGTCACTTGCCGGCAGCCATCATCGACAGGGGGATCTCCCCCAGGGCTTGGGCGACTGCT-3'

ClinVar aggregate classification (germline): Pathogenic (1 of 4 stars; one submission).

Submission:

Labcorp Genetics (formerly Invitae), Labcorp
Classification: Pathogenic. Last evaluated: 2023-12-17. Review status: criteria provided, single submitter. Criteria: Invitae Variant Classification Sherloc (09022015). Collection method: clinical testing. Allele origin: germline.
Comment: This sequence change creates a premature translational stop signal (p.Cys690Serfs*32) in the OTOA gene. It is expected to result in an absent or disrupted protein product. Loss-of-function variants in OTOA are known to be pathogenic (PMID: 11972037). The frequency data for this variant in the population databases is considered unreliable, as metrics indicate poor data quality at this position in the gnomAD database. This variant has not been reported in the literature in individuals affected with OTOA-related conditions. For these reasons, this variant has been classified as Pathogenic.

Literature cited by the submitters: PubMed 11972037.